The following is an entry in ClinVar:

ClinVar aggregate classification (germline): Uncertain significance (1 of 4 stars; one submission).

Allele frequency attached by ClinVar (database versions not stated): gnomAD exomes below 0.00001.
gnomAD v4.1: 3 of 1,613,890 alleles (0.00019%); highest among the groups gnomAD compares: Non-Finnish European, 0.00025%; no homozygotes.

Submission:

Labcorp Genetics (formerly Invitae), Labcorp
Classification: Uncertain significance. Last evaluated: 2023-08-04. Review status: criteria provided, single submitter. Criteria: Invitae Variant Classification Sherloc (09022015). Collection method: clinical testing. Allele origin: germline.
Comment: In summary, the available evidence is currently insufficient to determine the role of this variant in disease. Therefore, it has been classified as a Variant of Uncertain Significance. An algorithm developed to predict the effect of missense changes on protein structure and function (PolyPhen-2) suggests that this variant is likely to be disruptive. ClinVar contains an entry for this variant (Variation ID: 1000297). This variant has not been reported in the literature in individuals affected with KIAA1549-related conditions. This variant is not present in population databases (gnomAD no frequency). This sequence change replaces cysteine, which is neutral and slightly polar, with tyrosine, which is neutral and polar, at codon 1610 of the KIAA1549 protein (p.Cys1610Tyr).

NM_001164665.2(KIAA1549):c.4829G>A (p.Cys1610Tyr)

Gene: KIAA1549 (KIAA1549; minus strand). Cytogenetic location: 7q34.
Variant type: single nucleotide variant.
Coding change: c.4829G>A on transcript NM_001164665.2 (MANE Select); coding-DNA position 4829, G replaced by A.
Protein change: p.Cys1610Tyr; replaces cysteine 1610 with tyrosine.
Molecular consequence: missense variant.
Genome position (GRCh38, 1-based): chr7:138,868,075, C>T on the plus strand (G>A on the coding strand, the complement: KIAA1549 is on the minus strand). VCF-style: chr7-138868075-C-T. GRCh37 (hg19) VCF-style: chr7-138552821-C-T.
Other names: c.4829G>A, p.Cys1610Tyr (NM_020910.3); short protein forms C1610Y.
Identifiers: ClinVar variation 1000297 (VCV001000297.9), dbSNP rs1810803568, ClinGen allele CA369397786.
Genomic context (GRCh38, chr7:138,868,075, plus strand): 5'-CTCCTGTAGGTGCCATCGCTGTCTGTGGTGATGAGCCGGTCCTTCTCAGCGTCGGCAGGA[C>T]AGCCGTTGACCTGGTGTTTCCGGCGAGGCTTGGGAGAACGTTTTATCCGTGAGCTGCCAG-3'
Protein context (NP_001158137.1, residues 1600-1620): KPRRKHQVNG[Cys1610Tyr]PADAEKDRLI